The following is an entry in ClinVar:

NM_153252.5(BRWD3):c.3697_3699del (p.Ile1233del)

Gene: BRWD3 (bromodomain and WD repeat domain containing 3; minus strand). Cytogenetic location: Xq21.1.
Variant type: Deletion.
Coding change: c.3697_3699del on transcript NM_153252.5 (MANE Select); coding-DNA positions 3697 to 3699, 3 bases deleted (ATT; older notation c.3697_3699delATT).
Protein change: p.Ile1233del; deletes isoleucine 1233.
Molecular consequence: inframe deletion.
Genome position (GRCh38, 1-based): chrX:80,689,996-80,689,998, AAT deleted on the plus strand (ATT on the coding strand, the reverse complement: BRWD3 is on the minus strand). VCF-style (leftmost placement, unchanged base first): chrX-80689995-CAAT-C. GRCh37 (hg19) VCF-style: chrX-79945494-CAAT-C.
Other names: p.Ile1233del; c.3697_3699delATT (NM_153252.5); short protein forms I1233del.
Identifiers: ClinVar variation 1334444 (VCV001334444.2), dbSNP rs2147690376, ClinGen allele CA2573055411.
Genomic context (GRCh38, chrX:80,689,995, plus strand): 5'-TAGACTCTCTGGAAGCTAAAACTGCTTCTTACCCAATAAATCGAAGTAAGACATCAGTTA[CAAT>C]TTTAGCTGCTTTAACTATAGGACTGTCTGGCTCATTGAAAGTCCTGGCATTATGTTCAAT-3'

ClinVar aggregate classification (germline): Uncertain significance (1 of 4 stars; one submission).

Conditions:
Intellectual developmental disorder, X-linked 93. Also called: Intellectual disability, X-linked 93; MENTAL RETARDATION, X-LINKED, WITH MACROCEPHALY. Identifiers: MedGen C1970841, MONDO:0010393, OMIM 300659.

Submission:

Laboratory of Human Genetics, Universidade de São Paulo
Classification: Uncertain significance for Intellectual developmental disorder, X-linked 93. Last evaluated: 2021-08-18. Review status: criteria provided, single submitter. Criteria: ACMG Guidelines, 2015. Collection method: research. Allele origin: maternal. Observed: 4 variant alleles, 3 heterozygotes, 1 hemizygote.
Comment: ACMG: PM2, PM4, and PP3.